The following is an entry in ClinVar:

NM_152564.5(VPS13B):c.3211C>T (p.Leu1071Phe)

Gene: VPS13B (vacuolar protein sorting 13 homolog B; plus strand). Cytogenetic location: 8q22.2.
Variant type: single nucleotide variant.
Coding change: c.3211C>T on transcript NM_152564.5 (MANE Select); coding-DNA position 3211, C replaced by T.
Protein change: p.Leu1071Phe; replaces leucine 1071 with phenylalanine.
Molecular consequence: missense variant.
Genome position (GRCh38, 1-based): chr8:99,442,401, C>T. VCF-style: chr8-99442401-C-T. GRCh37 (hg19) VCF-style: chr8-100454629-C-T.
Other names: c.3211C>T, p.Leu1071Phe (NM_017890.5); c.3211C>T (NM_017890.3); short protein forms L1071F.
Identifiers: ClinVar variation 3056362 (VCV003056362.3), dbSNP rs547144228, ClinGen allele CA4823202.

ClinVar aggregate classification (germline): Uncertain significance. Review status: criteria provided, single submitter (1 of 4 stars). 2 submissions from 2 submitters: Uncertain significance (1). 1 of the submissions does not count toward it. Last evaluated 2024-09-02.

Conditions:
Inborn genetic diseases. Identifiers: MedGen C0950123, MeSH D030342.
VPS13B-related disorder. Also called: VPS13B-related condition.

Allele frequency attached by ClinVar (database versions not stated): gnomAD exomes below 0.00001; ExAC 0.00002; TOPMed 0.00002; gnomAD 0.00003; 1000 Genomes Project 30x 0.00016; 1000 Genomes Project 0.00020.
gnomAD v4.1: 7 of 1,612,814 alleles (0.00043%); highest among the groups gnomAD compares: African/African-American, 0.0093%; no homozygotes.

Submissions (2):

Ambry Genetics
Classification: Uncertain significance for Inborn genetic diseases. Last evaluated: 2024-09-02. Review status: criteria provided, single submitter. Criteria: Ambry Variant Classification Scheme 2023. Collection method: clinical testing. Allele origin: germline.

PreventionGenetics, part of Exact Sciences
Classification: Uncertain significance for VPS13B-related condition. Last evaluated: 2024-02-22. Review status: no assertion criteria provided. Collection method: clinical testing. Allele origin: germline. Not counted in ClinVar's aggregate classification.
Comment: The VPS13B c.3211C>T variant is predicted to result in the amino acid substitution p.Leu1071Phe. To our knowledge, this variant has not been reported in the literature. This variant is reported in 0.016% of alleles in individuals of African descent in gnomAD. At this time, the clinical significance of this variant is uncertain due to the absence of conclusive functional and genetic evidence.